The following is an entry in ClinVar:

ClinVar aggregate classification (germline): Uncertain significance. Review status: criteria provided, multiple submitters, no conflicts (2 of 4 stars). 2 submissions from 2 submitters: Uncertain significance (2). Last evaluated 2021-08-31.

Conditions:
Cortical dysplasia-focal epilepsy syndrome (PTHSL1). Also called: Pitt-Hopkins-like syndrome 1. Identifiers: Orphanet 163681, Orphanet 221150, MedGen C2750246, MONDO:0012400, OMIM 610042.

Allele frequency attached by ClinVar (database versions not stated): TOPMed below 0.00001; gnomAD 0.00001; gnomAD exomes 0.00001.
gnomAD v4.1: 4 of 1,614,020 alleles (0.00025%); highest among the groups gnomAD compares: Admixed American, 0.005%; no homozygotes.

Submissions (2):

Labcorp Genetics (formerly Invitae), Labcorp
Classification: Uncertain significance for Cortical dysplasia-focal epilepsy syndrome. Last evaluated: 2021-08-31. Review status: criteria provided, single submitter. Criteria: Invitae Variant Classification Sherloc (09022015). Collection method: clinical testing. Allele origin: germline.
Comment: This sequence change replaces threonine with alanine at codon 814 of the CNTNAP2 protein (p.Thr814Ala). The threonine residue is highly conserved and there is a small physicochemical difference between threonine and alanine. This variant is not present in population databases (ExAC no frequency). This variant has not been reported in the literature in individuals affected with CNTNAP2-related conditions. Algorithms developed to predict the effect of missense changes on protein structure and function are either unavailable or do not agree on the potential impact of this missense change (SIFT: "Deleterious"; PolyPhen-2: "Possibly Damaging"; Align-GVGD: "Class C0"). In summary, the available evidence is currently insufficient to determine the role of this variant in disease. Therefore, it has been classified as a Variant of Uncertain Significance.

Athena Diagnostics
Classification: Uncertain significance. Last evaluated: 2021-06-14. Review status: criteria provided, single submitter. Criteria: Athena Diagnostics Criteria. Collection method: clinical testing. Allele origin: unknown.

NM_014141.6(CNTNAP2):c.2440A>G (p.Thr814Ala)

Gene: CNTNAP2 (contactin associated protein 2; plus strand). Cytogenetic location: 7q35.
Variant type: single nucleotide variant.
Coding change: c.2440A>G on transcript NM_014141.6 (MANE Select); coding-DNA position 2440, A replaced by G.
Protein change: p.Thr814Ala; replaces threonine 814 with alanine.
Molecular consequence: missense variant.
Genome position (GRCh38, 1-based): chr7:148,118,174, A>G. VCF-style: chr7-148118174-A-G. GRCh37 (hg19) VCF-style: chr7-147815266-A-G.
Other names: short protein forms T814A.
Identifiers: ClinVar variation 411999 (VCV000411999.10), dbSNP rs1060503571, ClinGen allele CA16612179.